The following is an entry in ClinVar:

ClinVar aggregate classification (germline): Uncertain significance. Review status: criteria provided, multiple submitters, no conflicts (2 of 4 stars). 2 submissions from 2 submitters: Uncertain significance (2). Last evaluated 2024-12-02.

Conditions:
Inborn genetic diseases. Identifiers: MedGen C0950123, MeSH D030342.

Allele frequency attached by ClinVar (database versions not stated): ExAC 0.00001.

Submissions (2):

Labcorp Genetics (formerly Invitae), Labcorp
Classification: Uncertain significance. Last evaluated: 2024-12-02. Review status: criteria provided, single submitter. Criteria: Invitae Variant Classification Sherloc (09022015). Collection method: clinical testing. Allele origin: germline.
Comment: This sequence change replaces arginine, which is basic and polar, with leucine, which is neutral and non-polar, at codon 633 of the ACO2 protein (p.Arg633Leu). This variant is present in population databases (rs371183037, gnomAD 0.0009%). This variant has not been reported in the literature in individuals affected with ACO2-related conditions. ClinVar contains an entry for this variant (Variation ID: 2797895). Invitae Evidence Modeling of protein sequence and biophysical properties (such as structural, functional, and spatial information, amino acid conservation, physicochemical variation, residue mobility, and thermodynamic stability) indicates that this missense variant is not expected to disrupt ACO2 protein function with a negative predictive value of 80%. In summary, the available evidence is currently insufficient to determine the role of this variant in disease. Therefore, it has been classified as a Variant of Uncertain Significance.

Ambry Genetics
Classification: Uncertain significance for Inborn genetic diseases. Last evaluated: 2024-08-20. Review status: criteria provided, single submitter. Criteria: Ambry Variant Classification Scheme 2023. Collection method: clinical testing. Allele origin: germline.

NM_001098.3(ACO2):c.1898G>T (p.Arg633Leu)

Genes: ACO2 (aconitase 2; plus strand), POLR3H (RNA polymerase III subunit H; minus strand). Cytogenetic location: 22q13.2.
Variant type: single nucleotide variant.
Coding change: c.1898G>T on transcript NM_001098.3 (MANE Select); coding-DNA position 1898, G replaced by T.
Protein change: p.Arg633Leu; replaces arginine 633 with leucine.
Molecular consequence: missense variant. On other transcripts: 3 prime UTR variant (5).
Genome position (GRCh38, 1-based): chr22:41,526,398, G>T. VCF-style: chr22-41526398-G-T. GRCh37 (hg19) VCF-style: chr22-41922402-G-T.
Other names: c.1898G>T (NM_001098.2); c.*2885C>A (NM_001018050.4, NM_001018052.4, NM_001282884.2 and 2 more transcripts); short protein forms R633L.
Identifiers: ClinVar variation 2797895 (VCV002797895.4), dbSNP rs371183037, ClinGen allele CA10257801.